The following is an entry in ClinVar:

NM_001018005.2(TPM1):c.56T>A (p.Leu19Ter)

Gene: TPM1 (tropomyosin 1; plus strand). Cytogenetic location: 15q22.2.
Variant type: single nucleotide variant.
Coding change: c.56T>A on transcript NM_001018005.2 (MANE Select); coding-DNA position 56, T replaced by A.
Protein change: p.Leu19Ter; replaces leucine 19 with a stop codon.
Molecular consequence: nonsense. On other transcripts: non-coding transcript variant (11).
Genome position (GRCh38, 1-based): chr15:63,042,885, T>A. VCF-style: chr15-63042885-T-A. GRCh37 (hg19) VCF-style: chr15-63335084-T-A.
Other names: c.56T>A, p.Leu19Ter (NM_000366.6, NM_001018004.2, NM_001018006.2 and 24 more transcripts); short protein forms L19*.
Identifiers: ClinVar variation 4531506 (VCV004531506.1).
Genomic context (GRCh38, chr15:63,042,885, plus strand): 5'-CCACCATGGACGCCATCAAGAAGAAGATGCAGATGCTGAAGCTCGACAAGGAGAACGCCT[T>A]GGATCGAGCTGAGCAGGCGGAGGCCGACAAGAAGGCGGCGGAAGACAGGAGCAAGCAGGT-3'

ClinVar aggregate classification (germline): Uncertain significance (1 of 4 stars; one submission).

Conditions:
Hypertrophic cardiomyopathy 3. Also called: TPM1-Related Familial Hypertrophic Cardiomyopathy. Identifiers: MedGen C1861863, MONDO:0007267, OMIM 115196.

Submission:

Victorian Clinical Genetics Services, Murdoch Childrens Research Institute
Classification: Uncertain significance for Hypertrophic cardiomyopathy 3. Last evaluated: 2025-08-26. Review status: criteria provided, single submitter. Criteria: ACMG Guidelines, 2015. Collection method: clinical testing. Allele origin: germline. Affected: yes.
Comment: This variant is classified as VUS-3B. Evidence in support of pathogenic classification: Variant is predicted to result in a truncated protein (premature termination codon is located within the first 102 nucleotides of the coding sequence and is predicted to escape nonsense-mediated decay); Variant is absent from gnomAD (v2, v3 and v4). Additional information: This variant is non-coding in some transcripts. However, it is coding in most transcripts including MANE transcript which is the one mainly expressed in heart and muscle tissues (GTEx); This variant is heterozygous; This gene is associated with autosomal dominant dilated cardiomyopathy 1Y (MIM#611878), hypertrophic cardiomyopathy 3 (MIM#115196) and left ventricular noncompaction 9 (MIM#611878); This variant has no previous evidence of pathogenicity; No published evidence of segregation with disease has been identified for this variant; No published functional evidence has been identified for this variant; Other variants comparable to the one identified in this case have inconclusive previous evidence for pathogenicity. Variants within the first 102 nucleotides predicted to escape NMD have been reported as VUS (DECIPHER, ClinVar); The mechanism of disease for this gene is not clearly established. Variants proposed to act in a dominant negative manner have been associated with HCM (PMID: 24005378). However, a more recent study has shown that a missense variant associated with HCM resulted in increased calcium sensitivity and hypercontractility, whereas a DCM missense variant appeared to decrease contractility (PMID: 39436707); The condition associated with this gene has incomplete penetrance (PMIDs: 33642254, 32882290, 32731933); Inheritance information for this variant is not currently available in this individual.

Literature cited by the submitters: PubMed 32882290; PubMed 39436707; PubMed 32731933; PubMed 24005378; PubMed 33642254.